The following is an entry in ClinVar:

NM_001297.5(CNGB1):c.440T>G (p.Leu147Arg)

Gene: CNGB1 (cyclic nucleotide gated channel subunit beta 1; minus strand). Cytogenetic location: 16q21.
Variant type: single nucleotide variant.
Coding change: c.440T>G on transcript NM_001297.5 (MANE Select); coding-DNA position 440, T replaced by G.
Protein change: p.Leu147Arg; replaces leucine 147 with arginine.
Molecular consequence: missense variant.
Genome position (GRCh38, 1-based): chr16:57,962,583, A>C on the plus strand (T>G on the coding strand, the complement: CNGB1 is on the minus strand). VCF-style: chr16-57962583-A-C. GRCh37 (hg19) VCF-style: chr16-57996487-A-C.
Other names: c.440T>G, p.Leu147Arg (NM_001135639.2, NM_001286130.2); short protein forms L147R.
Identifiers: ClinVar variation 320107 (VCV000320107.13), dbSNP rs61997173, ClinGen allele CA8083826.

ClinVar aggregate classification (germline): Benign. Review status: criteria provided, multiple submitters, no conflicts (2 of 4 stars). 3 submissions from 3 submitters: Benign (3). Last evaluated 2026-01-30.

Conditions:
Retinitis pigmentosa (RP). Identifiers: Orphanet 791, MedGen C0035334, MeSH D012174, MONDO:0019200, OMIM 268000. Inheritance: Autosomal dominant, autosomal recessive and X linked inheritance.

Allele frequency attached by ClinVar (database versions not stated): gnomAD exomes 0.00303 and 0.00769; ExAC 0.00928; ESP Exome Variant Server 0.03166; gnomAD 0.03205 and 0.03447; 1000 Genomes Project 0.03574; TOPMed 0.03655; 1000 Genomes Project 30x 0.03732.
gnomAD v4.1: 9,464 of 1,614,018 alleles (0.59%); highest among the groups gnomAD compares: African/African-American, 11%; 475 homozygotes.

Submissions (3):

Labcorp Genetics (formerly Invitae), Labcorp
Classification: Benign. Last evaluated: 2026-01-30. Review status: criteria provided, single submitter. Criteria: Invitae Variant Classification Sherloc (09022015). Collection method: clinical testing. Allele origin: germline.

Illumina Laboratory Services, Illumina
Classification: Benign for Retinitis pigmentosa. Last evaluated: 2018-01-13. Review status: criteria provided, single submitter. Criteria: ICSL Variant Classification Criteria 13 December 2019. Collection method: clinical testing. Allele origin: germline.
Comment: This variant was observed in the ICSL laboratory as part of a predisposition screen in an ostensibly healthy population. It had not been previously curated by ICSL or reported in the Human Gene Mutation Database (HGMD: prior to June 1st, 2018), and was therefore a candidate for classification through an automated scoring system. Utilizing variant allele frequency, disease prevalence and penetrance estimates, and inheritance mode, an automated score was calculated to assess if this variant is too frequent to cause the disease. Based on the score and internal cut-off values, a variant classified as benign is not then subjected to further curation. The score for this variant resulted in a classification of benign for this disease.

Breakthrough Genomics
Classification: Benign. Review status: criteria provided, single submitter. Criteria: ACMG Guidelines, 2015. Collection method: not provided. Allele origin: germline. Inheritance: Autosomal recessive inheritance. Affected: yes.